The following is an entry in ClinVar:

ClinVar aggregate classification (germline): Uncertain significance (1 of 4 stars; one submission).

Conditions:
Cardiovascular phenotype. Identifiers: MedGen CN230736.

Submission:

Ambry Genetics
Classification: Uncertain significance for Cardiovascular phenotype. Last evaluated: 2021-03-02. Review status: criteria provided, single submitter. Criteria: Ambry Variant Classification Scheme 2023. Collection method: clinical testing. Allele origin: germline.
Comment: The p.E420V variant (also known as c.1259A>T), located in coding exon 9 of the FKTN gene, results from an A to T substitution at nucleotide position 1259. The glutamic acid at codon 420 is replaced by valine, an amino acid with dissimilar properties. This amino acid position is not well conserved in available vertebrate species. In addition, the in silico prediction for this alteration is inconclusive. Since supporting evidence is limited at this time, the clinical significance of this alteration remains unclear.

NM_001079802.2(FKTN):c.1259A>T (p.Glu420Val)

Gene: FKTN (fukutin; plus strand). Cytogenetic location: 9q31.2.
Variant type: single nucleotide variant.
Coding change: c.1259A>T on transcript NM_001079802.2 (MANE Select); coding-DNA position 1259, A replaced by T.
Protein change: p.Glu420Val; replaces glutamic acid 420 with valine.
Molecular consequence: missense variant. On other transcripts: 3 prime UTR variant (1), non-coding transcript variant (2).
Genome position (GRCh38, 1-based): chr9:105,635,137, A>T. VCF-style: chr9-105635137-A-T. GRCh37 (hg19) VCF-style: chr9-108397418-A-T.
Other names: c.1259A>T, p.Glu420Val (NM_001198963.2, NM_001351496.2, NM_006731.2); c.1190A>T, p.Glu397Val (NM_001351497.2); c.*51A>T (NM_001351498.2); c.863A>T, p.Glu288Val (NM_001351499.2, NM_001351500.2, NM_001351501.2 and 1 more transcripts); short protein forms E288V, E397V, E420V.
Identifiers: ClinVar variation 1762500 (VCV001762500.2), dbSNP rs1204903396, ClinGen allele CA374378193.
Genomic context (GRCh38, chr9:105,635,137, plus strand): 5'-GCTGGACTGAGTTTGTAGACATGAAGGTCCATGTACCCTGTGAAACCCTCGAATACATTG[A>T]AGCCAACTATGGTAAGACCTGGAAGATTCCTGTAAAGACGTGGGACTGGAAGCGCTCTCC-3'
Protein context (NP_001073270.1, residues 410-430): HVPCETLEYI[Glu420Val]ANYGKTWKIP